The following is an entry in ClinVar:

NM_001130438.3(SPTAN1):c.6577-13dup

Gene: SPTAN1 (spectrin alpha, non-erythrocytic 1; plus strand). Cytogenetic location: 9q34.11.
Variant type: Duplication.
Coding change: c.6577-13dup on transcript NM_001130438.3 (MANE Select); 13 bases into the intron before coding-DNA position 6577, one base duplicated (C; older notation c.6577-13dupC).
Molecular consequence: intron variant.
Genome position (GRCh38, 1-based): chr9:128,627,373, C duplicated; the last of 6 consecutive C bases (chr9:128,627,368-128,627,373); duplicating any one gives the same sequence. VCF-style (leftmost placement, unchanged base first): chr9-128627367-G-GC. GRCh37 (hg19) VCF-style: chr9-131389646-G-GC.
Other names: c.6577-13dup (NM_001363759.2); c.6562-13dup (NM_003127.4); c.6517-13dup (NM_001363765.2); c.6502-13dup (NM_001195532.2); c.6577-13dupC (NM_001130438.2).
Identifiers: ClinVar variation 507223 (VCV000507223.9), dbSNP rs761170802, ClinGen allele CA5265751.

ClinVar aggregate classification (germline): Benign/Likely benign. Review status: criteria provided, multiple submitters, no conflicts (2 of 4 stars). 2 submissions from 2 submitters: Benign (1); Likely benign (1). Last evaluated 2026-01-04.

Conditions:
Early-infantile DEE. Also called: Ohtahara syndrome; Early infantile epileptic encephalopathy; Early infantile epileptic encephalopathy with suppression bursts. Identifiers: Orphanet 1934, MedGen C0393706, MONDO:0800491.

Submissions (2):

Labcorp Genetics (formerly Invitae), Labcorp
Classification: Benign for Early-infantile DEE. Last evaluated: 2026-01-04. Review status: criteria provided, single submitter. Criteria: Invitae Variant Classification Sherloc (09022015). Collection method: clinical testing. Allele origin: germline.

GeneDx
Classification: Likely benign. Last evaluated: 2018-03-16. Review status: criteria provided, single submitter. Criteria: GeneDx Variant Classification (06012015). Collection method: clinical testing. Allele origin: germline. Affected: yes.
Comment: This variant is considered likely benign or benign based on one or more of the following criteria: it is a conservative change, it occurs at a poorly conserved position in the protein, it is predicted to be benign by multiple in silico algorithms, and/or has population frequency not consistent with disease.